The following is an entry in ClinVar:

NM_001145809.2(MYH14):c.3884G>A (p.Arg1295Gln)

Gene: MYH14 (myosin heavy chain 14; plus strand). Cytogenetic location: 19q13.33.
Variant type: single nucleotide variant.
Coding change: c.3884G>A on transcript NM_001145809.2 (MANE Select); coding-DNA position 3884, G replaced by A.
Protein change: p.Arg1295Gln; replaces arginine 1295 with glutamine.
Molecular consequence: missense variant.
Genome position (GRCh38, 1-based): chr19:50,278,141, G>A. VCF-style: chr19-50278141-G-A. GRCh37 (hg19) VCF-style: chr19-50781398-G-A.
Other names: p.Arg1254Gln; c.3785G>A, p.Arg1262Gln (NM_001077186.2); c.3761G>A, p.Arg1254Gln (NM_024729.4); short protein forms R1254Q, R1295Q, R1262Q.
Identifiers: ClinVar variation 286756 (VCV000286756.21), dbSNP rs377014092, ClinGen allele CA9593362.

ClinVar aggregate classification (germline): Conflicting classifications of pathogenicity. Review status: criteria provided, conflicting classifications (1 of 4 stars). 6 submissions from 6 submitters: Uncertain significance (4); Likely benign (2). Last evaluated 2025-09-25.

Conditions:
Inborn genetic diseases. Identifiers: MedGen C0950123, MeSH D030342.
Autosomal dominant nonsyndromic hearing loss 4A. Also called: Deafness, autosomal dominant 4A. Identifiers: Orphanet 90635, MedGen C1833503, MONDO:0010915, OMIM 600652.

Allele frequency attached by ClinVar (database versions not stated): gnomAD exomes 0.00002 and 0.00003; gnomAD 0.00003; TOPMed 0.00003; ExAC 0.00004; ESP Exome Variant Server 0.00008.
gnomAD v4.1: 33 of 1,608,430 alleles (0.0021%); highest among the groups gnomAD compares: African/African-American, 0.004%; no homozygotes.

Submissions (6):

Mayo Clinic Laboratories, Mayo Clinic
Classification: Likely benign. Last evaluated: 2025-09-25. Review status: criteria provided, single submitter. Criteria: ACMG Guidelines, 2015. Collection method: clinical testing. Allele origin: germline. Observed: 1 variant allele.
Comment: BS2, BP4_moderate

Ambry Genetics
Classification: Uncertain significance for Inborn genetic diseases. Last evaluated: 2025-08-27. Review status: criteria provided, single submitter. Criteria: Ambry Variant Classification Scheme 2023. Collection method: clinical testing. Allele origin: germline.

Labcorp Genetics (formerly Invitae), Labcorp
Classification: Likely benign. Last evaluated: 2023-07-17. Review status: criteria provided, single submitter. Criteria: Invitae Variant Classification Sherloc (09022015). Collection method: clinical testing. Allele origin: germline.

Laboratory for Molecular Medicine, Mass General Brigham Personalized Medicine
Classification: Uncertain significance. Last evaluated: 2019-02-01. Review status: criteria provided, single submitter. Criteria: LMM Criteria. Collection method: clinical testing. Allele origin: germline. Observed: 2 variant alleles.
Comment: The p.Arg1295Gln variant in MYH14 has not been previously reported in individuals with hearing loss, but has been identified in 2/23862 African chromosomes by gnomAD. Computational prediction tools and conservation analysis suggest that this variant may not impact the protein, though this information is not predictive enough to rule out pathogenicity. In summary, the clinical significance of this variant is uncertain. ACMG/AMP Criteria applied: PM2_Supporting, BP4.

Illumina Laboratory Services, Illumina
Classification: Uncertain significance for Autosomal dominant nonsyndromic hearing loss 4A. Last evaluated: 2018-01-13. Review status: criteria provided, single submitter. Criteria: ICSL Variant Classification Criteria 13 December 2019. Collection method: clinical testing. Allele origin: germline.

Eurofins Ntd Llc (ga)
Classification: Uncertain significance. Last evaluated: 2016-03-21. Review status: criteria provided, single submitter. Criteria: EGL Classification Definitions 2015. Collection method: clinical testing. Allele origin: germline. Observed: 1 variant allele, 1 heterozygote.